The following is an entry in ClinVar:

NM_016653.3(MAP3K20):c.1000T>C (p.Phe334Leu)

Genes: MAP3K20 (mitogen-activated protein kinase kinase kinase 20; plus strand), MAP3K20-AS1 (MAP3K20 antisense RNA 1; minus strand). Cytogenetic location: 2q31.1.
Variant type: single nucleotide variant.
Coding change: c.1000T>C on transcript NM_016653.3 (MANE Select); coding-DNA position 1000, T replaced by C.
Protein change: p.Phe334Leu; replaces phenylalanine 334 with leucine.
Molecular consequence: missense variant.
Genome position (GRCh38, 1-based): chr2:173,229,701, T>C. VCF-style: chr2-173229701-T-C. GRCh37 (hg19) VCF-style: chr2-174094429-T-C.
Other names: short protein forms F334L.
Identifiers: ClinVar variation 1971083 (VCV001971083.5), dbSNP rs1684476844, ClinGen allele CA349315273.
Genomic context (GRCh38, chr2:173,229,701, plus strand): 5'-ATGATAATATTACTTTTTTTTTTCATTTCATGCATATTTCCCATGCAGCTGCTGCCTTCC[T>C]TTGAGATTGGTGCATGGACGGAAGACGATGTGGTAAGCTCTTTGTATTCATGCCTTATTT-3'
Protein context (NP_057737.2, residues 324-344): EQSNTPLLPS[Phe334Leu]EIGAWTEDDV

ClinVar aggregate classification (germline): Uncertain significance (1 of 4 stars; one submission).

Allele frequency attached by ClinVar (database versions not stated): gnomAD exomes 0.00001.
gnomAD v4.1: 5 of 1,614,118 alleles (0.00031%); highest among the groups gnomAD compares: Non-Finnish European, 0.00042%; no homozygotes.

Submission:

Labcorp Genetics (formerly Invitae), Labcorp
Classification: Uncertain significance. Last evaluated: 2022-09-23. Review status: criteria provided, single submitter. Criteria: Invitae Variant Classification Sherloc (09022015). Collection method: clinical testing. Allele origin: germline.
Comment: In summary, the available evidence is currently insufficient to determine the role of this variant in disease. Therefore, it has been classified as a Variant of Uncertain Significance. Experimental studies and prediction algorithms are not available or were not evaluated, and the functional significance of this variant is currently unknown. This variant has not been reported in the literature in individuals affected with MAP3K20-related conditions. This variant is not present in population databases (gnomAD no frequency). This sequence change replaces phenylalanine, which is neutral and non-polar, with leucine, which is neutral and non-polar, at codon 334 of the MAP3K20 protein (p.Phe334Leu).